The following is an entry in ClinVar:

ClinVar aggregate classification (germline): Benign/Likely benign. Review status: criteria provided, multiple submitters, no conflicts (2 of 4 stars). 2 submissions from 2 submitters: Benign (1); Likely benign (1). Last evaluated 2026-01-12.

Conditions:
Methylmalonic aciduria, cblA type (MACA). Also called: Methylmalonic aciduria, vitamin B12-responsive; Vitamin B12-responsive methylmalonic acidemia type cblA; Methylmalonic aciduria, vitamin b12-responsive, due to defect in synthesis of adenosylcobalamin, cbla complementation type; MMA cbl A type; Methylmalonic acidemia cblA type. Identifiers: Orphanet 28, Orphanet 79310, MedGen C1855109, MONDO:0009613, OMIM 251100.

Allele frequency attached by ClinVar (database versions not stated): gnomAD 0.00007; gnomAD exomes 0.00009 and 0.00049; TOPMed 0.00017; 1000 Genomes Project 0.00020; 1000 Genomes Project 30x 0.00031; ExAC 0.00056.
gnomAD v4.1: 142 of 1,611,702 alleles (0.0088%); highest among the groups gnomAD compares: Admixed American, 0.24%; no homozygotes.

Submissions (2):

Labcorp Genetics (formerly Invitae), Labcorp
Classification: Benign for Methylmalonic aciduria, cblA type. Last evaluated: 2026-01-12. Review status: criteria provided, single submitter. Criteria: Invitae Variant Classification Sherloc (09022015). Collection method: clinical testing. Allele origin: germline.

GeneDx
Classification: Likely benign. Last evaluated: 2016-02-03. Review status: criteria provided, single submitter. Criteria: GeneDx Variant Classification (06012015). Collection method: clinical testing. Allele origin: germline. Affected: yes.
Comment: This variant is considered likely benign or benign based on one or more of the following criteria: it is a conservative change, it occurs at a poorly conserved position in the protein, it is predicted to be benign by multiple in silico algorithms, and/or has population frequency not consistent with disease.

NM_172250.3(MMAA):c.1236A>G (p.Lys412=)

Gene: MMAA (metabolism of cobalamin associated A; plus strand). Cytogenetic location: 4q31.21.
Variant type: single nucleotide variant.
Coding change: c.1236A>G on transcript NM_172250.3 (MANE Select); coding-DNA position 1236, A replaced by G.
Protein change: p.Lys412=; no amino-acid change (lysine 412 retained).
Molecular consequence: synonymous variant.
Genome position (GRCh38, 1-based): chr4:145,655,413, A>G. VCF-style: chr4-145655413-A-G. GRCh37 (hg19) VCF-style: chr4-146576565-A-G.
Identifiers: ClinVar variation 382371 (VCV000382371.11), dbSNP rs184111056, ClinGen allele CA3095378.